The following is an entry in ClinVar:

NM_001270508.2(TNFAIP3):c.2202G>A (p.Met734Ile)

Gene: TNFAIP3 (TNF alpha induced protein 3; plus strand). Cytogenetic location: 6q23.3.
Variant type: single nucleotide variant.
Coding change: c.2202G>A on transcript NM_001270508.2 (MANE Select); coding-DNA position 2202, G replaced by A.
Protein change: p.Met734Ile; replaces methionine 734 with isoleucine.
Molecular consequence: missense variant.
Genome position (GRCh38, 1-based): chr6:137,881,148, G>A. VCF-style: chr6-137881148-G-A. GRCh37 (hg19) VCF-style: chr6-138202285-G-A.
Other names: c.2202G>A, p.Met734Ile (NM_001270507.2, NM_006290.4); short protein forms M734I.
Identifiers: ClinVar variation 3693500 (VCV003693500.2).

ClinVar aggregate classification (germline): Uncertain significance (1 of 4 stars; one submission).

Submission:

Labcorp Genetics (formerly Invitae), Labcorp
Classification: Uncertain significance. Last evaluated: 2025-03-18. Review status: criteria provided, single submitter. Criteria: Invitae Variant Classification Sherloc (09022015). Collection method: clinical testing. Allele origin: germline.
Comment: This sequence change replaces methionine, which is neutral and non-polar, with isoleucine, which is neutral and non-polar, at codon 734 of the TNFAIP3 protein (p.Met734Ile). This variant is not present in population databases (gnomAD no frequency). This variant has not been reported in the literature in individuals affected with TNFAIP3-related conditions. An algorithm developed to predict the effect of missense changes on protein structure and function outputs the following: PolyPhen-2: "Benign". The isoleucine amino acid residue is found in multiple mammalian species, which suggests that this missense change does not adversely affect protein function. In summary, the available evidence is currently insufficient to determine the role of this variant in disease. Therefore, it has been classified as a Variant of Uncertain Significance.